The following is an entry in ClinVar:

NM_001999.4(FBN2):c.4234T>C (p.Cys1412Arg)

Gene: FBN2 (fibrillin 2; minus strand). Cytogenetic location: 5q23.3.
Variant type: single nucleotide variant.
Coding change: c.4234T>C on transcript NM_001999.4 (MANE Select); coding-DNA position 4234, T replaced by C.
Protein change: p.Cys1412Arg; replaces cysteine 1412 with arginine.
Molecular consequence: missense variant.
Genome position (GRCh38, 1-based): chr5:128,330,684, A>G on the plus strand (T>C on the coding strand, the complement: FBN2 is on the minus strand). VCF-style: chr5-128330684-A-G. GRCh37 (hg19) VCF-style: chr5-127666376-A-G.
Other names: short protein forms C1412R.
Identifiers: ClinVar variation 5021627 (VCV005021627.1).

ClinVar aggregate classification (germline): Uncertain significance (1 of 4 stars; one submission).

Conditions:
Familial thoracic aortic aneurysm and aortic dissection (TAAD). Also called: Thoracic aortic aneurysms and dissections. Identifiers: Orphanet 91387, MedGen C4707243, MONDO:0019625.

Submission:

Ambry Genetics
Classification: Uncertain significance for Familial thoracic aortic aneurysm and aortic dissection. Last evaluated: 2026-07-14. Review status: criteria provided, single submitter. Criteria: Ambry Variant Classification Scheme 2023. Collection method: clinical testing. Allele origin: germline.
Comment: The p.C1412R variant (also known as c.4234T>C), located in coding exon 33 of the FBN2 gene, results from a T to C substitution at nucleotide position 4234. The cysteine at codon 1412 is replaced by arginine, an amino acid with highly dissimilar properties. In one study, 13 of 14 reportedFBN2mutations were located in the middle region of the gene (exons24-36), and 7of these mutations were noted to alter or produce a cysteine residue (CallewaertBL et al.HumMutat. 2009;30(3):334-341).This amino acid position is highly conserved in available vertebrate species. In addition, this alteration is predicted to be deleterious by in silico analysis. Based on the available evidence, the clinical significance of this variant remains unclear.